The following is an entry in ClinVar:

ClinVar aggregate classification (germline): Uncertain significance. Review status: criteria provided, multiple submitters, no conflicts (2 of 4 stars). 3 submissions from 3 submitters: Uncertain significance (2). 1 of the submissions does not count toward it. Last evaluated 2022-10-12.

Allele frequency attached by ClinVar (database versions not stated): TOPMed 0.00001.
gnomAD v4.1: 5 of 1,596,804 alleles (0.00031%); highest among the groups gnomAD compares: Non-Finnish European, 0.00043%; no homozygotes.

Submissions (3):

Ambry Genetics
Classification: Uncertain significance. Last evaluated: 2022-10-12. Review status: criteria provided, single submitter. Criteria: Ambry Variant Classification Scheme 2023. Collection method: clinical testing. Allele origin: germline.
Comment: The p.P59S variant (also known as c.175C>T), located in coding exon 1 of the TERF2IP gene, results from a C to T substitution at nucleotide position 175. The proline at codon 59 is replaced by serine, an amino acid with similar properties. This amino acid position is conserved. In addition, this alteration is predicted to be tolerated by in silico analysis. Since supporting evidence is limited at this time, the clinical significance of this alteration remains unclear.

Labcorp Genetics (formerly Invitae), Labcorp
Classification: Uncertain significance. Last evaluated: 2022-07-01. Review status: criteria provided, single submitter. Criteria: Invitae Variant Classification Sherloc (09022015). Collection method: clinical testing. Allele origin: germline.
Comment: In summary, the available evidence is currently insufficient to determine the role of this variant in disease. Therefore, it has been classified as a Variant of Uncertain Significance. Algorithms developed to predict the effect of missense changes on protein structure and function (SIFT, PolyPhen-2, Align-GVGD) all suggest that this variant is likely to be disruptive. This variant has not been reported in the literature in individuals affected with TERF2IP-related conditions. This variant is present in population databases (no rsID available, gnomAD 0.001%). This sequence change replaces proline, which is neutral and non-polar, with serine, which is neutral and polar, at codon 59 of the TERF2IP protein (p.Pro59Ser).

Genetic Services Laboratory, University of Chicago
Classification: Uncertain significance. Last evaluated: 2022-07-14. Review status: no assertion criteria provided. Collection method: clinical testing. Allele origin: germline. Affected: no. Not counted in ClinVar's aggregate classification.
Comment: DNA sequence analysis of the TERF2IP gene demonstrated a sequence change, c.175C>T, in exon 1 that results in an amino acid change, p.Pro59Ser. This sequence change does not appear to have been previously described in individuals with TERF2IP-related disorders. This sequence change has been described in the gnomAD database in one individual which corresponds to a population frequency of 0.0005% (dbSNP rs1466570165). The p.Pro59Ser change affects a highly conserved amino acid residue located in a domain of the TERF2IP protein that is known to be functional. In-silico pathogenicity prediction tools (SIFT, PolyPhen2, Align GVGD, REVEL) provide contradictory results for the p.Pro59Ser substitution. Due to insufficient evidences and the lack of functional studies, the clinical significance of the p.Pro59Ser change remains unknown at this time.

NM_018975.4(TERF2IP):c.175C>T (p.Pro59Ser)

Gene: TERF2IP (TERF2 interacting protein; plus strand). Cytogenetic location: 16q23.1.
Variant type: single nucleotide variant.
Coding change: c.175C>T on transcript NM_018975.4 (MANE Select); coding-DNA position 175, C replaced by T.
Protein change: p.Pro59Ser; replaces proline 59 with serine.
Molecular consequence: missense variant. On other transcripts: non-coding transcript variant (1).
Genome position (GRCh38, 1-based): chr16:75,648,057, C>T. VCF-style: chr16-75648057-C-T. GRCh37 (hg19) VCF-style: chr16-75681955-C-T.
Other names: short protein forms P59S.
Identifiers: ClinVar variation 1779546 (VCV001779546.9), dbSNP rs1466570165, ClinGen allele CA396817378.